The following is an entry in ClinVar:

NM_018238.4(AGK):c.391-9C>G

Gene: AGK (acylglycerol kinase; plus strand). Cytogenetic location: 7q34.
Variant type: single nucleotide variant.
Coding change: c.391-9C>G on transcript NM_018238.4 (MANE Select); 9 bases into the intron before coding-DNA position 391, C replaced by G.
Molecular consequence: intron variant.
Genome position (GRCh38, 1-based): chr7:141,614,137, C>G. VCF-style: chr7-141614137-C-G. GRCh37 (hg19) VCF-style: chr7-141313937-C-G.
Other names: c.391-9C>G (NM_001364948.3).
Identifiers: ClinVar variation 2088824 (VCV002088824.4), dbSNP rs2485387194, ClinGen allele CA2580077593.
Genomic context (GRCh38, chr7:141,614,137, plus strand): 5'-GAATCCAATTCTTTTATTGTAAAGGAAATACATATTATTTATAACAATGTTTTATTATTA[C>G]ATTTGTAGGTTGTTACTGGTGTTCTTCGACGAACAGATGAGGTGAGCATTAAAGAGTAAT-3'

ClinVar aggregate classification (germline): Uncertain significance (1 of 4 stars; one submission).

Conditions:
Cataract 38. Also called: Cataract, autosomal recessive congenital 5; Cataract 38, autosomal recessive. Identifiers: Orphanet 91492, MedGen C3553494, MONDO:0013859, OMIM 614691.
Sengers syndrome. Also called: MITOCHONDRIAL DNA DEPLETION SYNDROME 10 (CARDIOMYOPATHIC TYPE); Cardiomyopathy and cataract. Identifiers: Orphanet 1369, MedGen C1859317, MONDO:0008922, OMIM 212350.

Submission:

Labcorp Genetics (formerly Invitae), Labcorp
Classification: Uncertain significance for Sengers syndrome; Cataract 38. Last evaluated: 2022-01-21. Review status: criteria provided, single submitter. Criteria: Invitae Variant Classification Sherloc (09022015). Collection method: clinical testing. Allele origin: germline.
Comment: This variant is not present in population databases (gnomAD no frequency). In summary, the available evidence is currently insufficient to determine the role of this variant in disease. Therefore, it has been classified as a Variant of Uncertain Significance. Algorithms developed to predict the effect of sequence changes on RNA splicing suggest that this variant may disrupt the consensus splice site. This variant has not been reported in the literature in individuals affected with AGK-related conditions. This sequence change falls in intron 6 of the AGK gene. It does not directly change the encoded amino acid sequence of the AGK protein.